The following is an entry in ClinVar:

ClinVar aggregate classification (germline): Likely pathogenic (1 of 4 stars; one submission).

Conditions:
Renal tubular acidosis with progressive nerve deafness. Also called: Distal Renal Tubular Acidosis with Progressive Sensorineural Deafness; renal tubular acidosis, distal, 2, with progressive sensorineural hearing loss; RENAL TUBULAR ACIDOSIS, AUTOSOMAL RECESSIVE, WITH PROGRESSIVE NERVE DEAFNESS; RTA WITH PROGRESSIVE NERVE DEAFNESS. Identifiers: MedGen C0403554, MONDO:0009968, OMIM 267300.

Submission:

Natera, Inc.
Classification: Likely pathogenic for Renal tubular acidosis with progressive nerve deafness. Last evaluated: 2024-07-18. Review status: criteria provided, single submitter. Criteria: Natera Variant Classification Schema (03/2026). Collection method: clinical testing. Allele origin: germline.
Comment: The c.961_962dup variant in ATP6V1B1 is a frameshift variant predicted to shift the reading frame beginning at codon 321 and leads to a stop codon 43 codons downstream. This variant is expected to result in nonsense mediated decay, truncation, or a dysfunctional protein product. This variant is rare in the general population with a frequency below the threshold expected for the associated phenotype(s). Given the available evidence, this variant is classified as Likely Pathogenic.

NM_001692.4(ATP6V1B1):c.961_962dup (p.Met321fs)

Gene: ATP6V1B1 (ATPase H+ transporting V1 subunit B1; plus strand). Cytogenetic location: 2p13.3.
Variant type: Microsatellite.
Coding change: c.961_962dup on transcript NM_001692.4 (MANE Select); coding-DNA positions 961 to 962, 2 bases duplicated (AT; older notation c.961_962dupAT).
Protein change: p.Met321fs; shifts the reading frame from methionine 321.
Molecular consequence: frameshift variant.
Genome position (GRCh38, 1-based): chr2:70,963,213-70,963,214, AT duplicated; duplicating any 2 consecutive bases within chr2:70,963,209-70,963,214 gives the same sequence; the c. name uses the placement nearest the transcript's 3' end. VCF-style (leftmost placement, unchanged base first): chr2-70963208-G-GAT. GRCh37 (hg19) VCF-style: chr2-71190338-G-GAT.
Other names: short protein forms M321fs.
Identifiers: ClinVar variation 4814938 (VCV004814938.1).